The following is an entry in ClinVar:

ClinVar aggregate classification (germline): Uncertain significance (1 of 4 stars; one submission).

Conditions:
Acute myeloid leukemia (AML). Also called: Acute myeloid leukemia, adult; AML adult; Acute non-lymphocytic leukemia; Acute granulocytic leukemia; Leukemia, acute myeloid, somatic; Leukemia, acute myelogenous, somatic. Identifiers: Orphanet 519, MedGen C0023467, MeSH D015470, MONDO:0018874, OMIM 601626, HP:0004808. Disease mechanism: Constitutively activated FLT3.

Allele frequency attached by ClinVar (database versions not stated): gnomAD exomes below 0.00001.

Submission:

Labcorp Genetics (formerly Invitae), Labcorp
Classification: Uncertain significance for Acute myeloid leukemia. Last evaluated: 2023-04-04. Review status: criteria provided, single submitter. Criteria: Invitae Variant Classification Sherloc (09022015). Collection method: clinical testing. Allele origin: germline.
Comment: This variant is not present in population databases (gnomAD no frequency). In summary, the available evidence is currently insufficient to determine the role of this variant in disease. Therefore, it has been classified as a Variant of Uncertain Significance. Advanced modeling of protein sequence and biophysical properties (such as structural, functional, and spatial information, amino acid conservation, physicochemical variation, residue mobility, and thermodynamic stability) performed at Invitae indicates that this missense variant is not expected to disrupt CEBPA protein function. This variant has not been reported in the literature in individuals affected with CEBPA-related conditions. This sequence change replaces glutamic acid, which is acidic and polar, with aspartic acid, which is acidic and polar, at codon 89 of the CEBPA protein (p.Glu89Asp).

NM_004364.5(CEBPA):c.267G>T (p.Glu89Asp)

Gene: CEBPA (CCAAT enhancer binding protein alpha; minus strand). Cytogenetic location: 19q13.11.
Variant type: single nucleotide variant.
Coding change: c.267G>T on transcript NM_004364.5 (MANE Select); coding-DNA position 267, G replaced by T.
Protein change: p.Glu89Asp; replaces glutamic acid 89 with aspartic acid.
Molecular consequence: missense variant. On other transcripts: 5 prime UTR variant (1).
Genome position (GRCh38, 1-based): chr19:33,302,148, C>A on the plus strand (G>T on the coding strand, the complement: CEBPA is on the minus strand). VCF-style: chr19-33302148-C-A. GRCh37 (hg19) VCF-style: chr19-33793054-C-A.
Other names: c.-91G>T (NM_001285829.2); c.372G>T, p.Glu124Asp (NM_001287424.2); c.225G>T, p.Glu75Asp (NM_001287435.2); short protein forms E75D, E124D, E89D.
Identifiers: ClinVar variation 2851932 (VCV002851932.3), dbSNP rs2513332405, ClinGen allele CA405275309.